The following is an entry in ClinVar:

NM_207346.3(TSEN54):c.394G>A (p.Asp132Asn)

Gene: TSEN54 (tRNA splicing endonuclease subunit 54; plus strand). Cytogenetic location: 17q25.1.
Variant type: single nucleotide variant.
Coding change: c.394G>A on transcript NM_207346.3 (MANE Select); coding-DNA position 394, G replaced by A.
Protein change: p.Asp132Asn; replaces aspartic acid 132 with asparagine.
Molecular consequence: missense variant.
Genome position (GRCh38, 1-based): chr17:75,517,581, G>A. VCF-style: chr17-75517581-G-A. GRCh37 (hg19) VCF-style: chr17-73513662-G-A.
Other names: short protein forms D132N.
Identifiers: ClinVar variation 1684133 (VCV001684133.6), dbSNP rs750942705, ClinGen allele CA8764094.

ClinVar aggregate classification (germline): Uncertain significance. Review status: criteria provided, multiple submitters, no conflicts (2 of 4 stars). 2 submissions from 2 submitters: Uncertain significance (2). Last evaluated 2024-10-29.

Allele frequency attached by ClinVar (database versions not stated): gnomAD exomes 0.00002 and 0.00001; gnomAD 0.00001; TOPMed 0.00002; ExAC 0.00003.
gnomAD v4.1: 6 of 1,613,724 alleles (0.00037%); highest among the groups gnomAD compares: Admixed American, 0.01%; no homozygotes.

Submissions (2):

Labcorp Genetics (formerly Invitae), Labcorp
Classification: Uncertain significance. Last evaluated: 2024-10-29. Review status: criteria provided, single submitter. Criteria: Invitae Variant Classification Sherloc (09022015). Collection method: clinical testing. Allele origin: germline.
Comment: This sequence change replaces aspartic acid, which is acidic and polar, with asparagine, which is neutral and polar, at codon 132 of the TSEN54 protein (p.Asp132Asn). This variant is present in population databases (rs750942705, gnomAD 0.01%). This variant has not been reported in the literature in individuals affected with TSEN54-related conditions. ClinVar contains an entry for this variant (Variation ID: 1684133). Invitae Evidence Modeling of protein sequence and biophysical properties (such as structural, functional, and spatial information, amino acid conservation, physicochemical variation, residue mobility, and thermodynamic stability) has been performed for this missense variant. However, the output from this modeling did not meet the statistical confidence thresholds required to predict the impact of this variant on TSEN54 protein function. Algorithms developed to predict the effect of sequence changes on RNA splicing suggest that this variant may create or strengthen a splice site. In summary, the available evidence is currently insufficient to determine the role of this variant in disease. Therefore, it has been classified as a Variant of Uncertain Significance.

GeneDx
Classification: Uncertain significance. Last evaluated: 2021-11-15. Review status: criteria provided, single submitter. Criteria: GeneDx Variant Classification Process June 2021. Collection method: clinical testing. Allele origin: germline. Affected: yes.
Comment: Not observed at significant frequency in large population cohorts (gnomAD); In silico analysis supports that this missense variant has a deleterious effect on protein structure/function; Has not been previously published as pathogenic or benign to our knowledge